The following is an entry in ClinVar:

NM_001846.4(COL4A2):c.197T>C (p.Val66Ala)

Gene: COL4A2 (collagen type IV alpha 2 chain; plus strand). Cytogenetic location: 13q34.
Variant type: single nucleotide variant.
Coding change: c.197T>C on transcript NM_001846.4 (MANE Select); coding-DNA position 197, T replaced by C.
Protein change: p.Val66Ala; replaces valine 66 with alanine.
Molecular consequence: missense variant.
Genome position (GRCh38, 1-based): chr13:110,424,750, T>C. VCF-style: chr13-110424750-T-C. GRCh37 (hg19) VCF-style: chr13-111077097-T-C.
Other names: short protein forms V66A.
Identifiers: ClinVar variation 2571927 (VCV002571927.1), dbSNP rs1880401249, ClinGen allele CA388727893.

ClinVar aggregate classification (germline): Uncertain significance (1 of 4 stars; one submission).

Allele frequency attached by ClinVar (database versions not stated): TOPMed below 0.00001.

Submission:

GeneDx
Classification: Uncertain significance. Last evaluated: 2023-01-09. Review status: criteria provided, single submitter. Criteria: GeneDx Variant Classification Process June 2021. Collection method: clinical testing. Allele origin: germline. Affected: yes.
Comment: Not observed at significant frequency in large population cohorts (gnomAD); In silico analysis supports that this missense variant has a deleterious effect on protein structure/function; Has not been previously published as pathogenic or benign to our knowledge